The following is an entry in ClinVar:

NM_001276345.2(TNNT2):c.811-19C>G

Gene: TNNT2 (troponin T2, cardiac type; minus strand). Cytogenetic location: 1q32.1.
Variant type: single nucleotide variant.
Coding change: c.811-19C>G on transcript NM_001276345.2 (MANE Select); 19 bases into the intron before coding-DNA position 811, C replaced by G.
Molecular consequence: intron variant.
Genome position (GRCh38, 1-based): chr1:201,359,682, G>C on the plus strand (C>G on the coding strand, the complement: TNNT2 is on the minus strand). VCF-style: chr1-201359682-G-C. GRCh37 (hg19) VCF-style: chr1-201328810-G-C.
Other names: c.763-19C>G (NM_001001432.3); c.772-19C>G (NM_001001431.3); c.781-19C>G (NM_001001430.3, NM_001276347.2); c.682-19C>G (NM_001276346.2); c.802-19C>G (NM_000364.4).
Identifiers: ClinVar variation 387170 (VCV000387170.1), dbSNP rs1057522713, ClinGen allele CA16603548.
Genomic context (GRCh38, chr1:201,359,682, plus strand): 5'-CACTTTCTGGTTATCGTTGATCCTGTTTCGGAGAACATTGATCTGCAAGAAAAGTGGGAA[G>C]GACAAAGAGCAACGCTGGAGCTGACTGGCTCAGGTCCCAGGTGGCCTGGGGATGGGGAGA-3'

ClinVar aggregate classification (germline): Likely benign (1 of 4 stars; one submission).

Submission:

GeneDx
Classification: Likely benign. Last evaluated: 2016-06-27. Review status: criteria provided, single submitter. Criteria: GeneDx Variant Classification (06012015). Collection method: clinical testing. Allele origin: germline. Affected: yes.
Comment: This variant is considered likely benign or benign based on one or more of the following criteria: it is a conservative change, it occurs at a poorly conserved position in the protein, it is predicted to be benign by multiple in silico algorithms, and/or has population frequency not consistent with disease.